The following is an entry in ClinVar:

ClinVar aggregate classification (germline): Uncertain significance (1 of 4 stars; one submission).

Submission:

Labcorp Genetics (formerly Invitae), Labcorp
Classification: Uncertain significance. Last evaluated: 2021-12-02. Review status: criteria provided, single submitter. Criteria: Invitae Variant Classification Sherloc (09022015). Collection method: clinical testing. Allele origin: germline.
Comment: This sequence change replaces glycine, which is neutral and non-polar, with valine, which is neutral and non-polar, at codon 308 of the ARID1B protein (p.Gly308Val). Information on the frequency of this variant in the gnomAD database is not available, as this variant may be reported differently in the database. This variant has not been reported in the literature in individuals affected with ARID1B-related conditions. Experimental studies and prediction algorithms are not available or were not evaluated, and the functional significance of this variant is currently unknown. Algorithms developed to predict the effect of sequence changes on RNA splicing suggest that this variant may create or strengthen a splice site. In summary, the available evidence is currently insufficient to determine the role of this variant in disease. Therefore, it has been classified as a Variant of Uncertain Significance.

NM_001374828.1(ARID1B):c.1172_1173delinsTA (p.Gly391Val)

Gene: ARID1B (AT-rich interaction domain 1B; plus strand). Cytogenetic location: 6q25.3.
Variant type: Indel.
Coding change: c.1172_1173delinsTA on transcript NM_001374828.1 (MANE Select); coding-DNA positions 1172 to 1173, GC replaced by TA.
Protein change: p.Gly391Val; replaces glycine 391 with valine.
Molecular consequence: missense variant.
Genome position (GRCh38, 1-based): chr6:156,778,852-156,778,853, GC replaced by TA. VCF-style: chr6-156778852-GC-TA. GRCh37 (hg19) VCF-style: chr6-157099986-GC-TA.
Other names: c.1172_1173delinsTA, p.Gly391Val (NM_001371656.1, NM_001374820.1, NM_017519.3); short protein forms G391V.
Identifiers: ClinVar variation 1396041 (VCV001396041.6), dbSNP rs2114987812, ClinGen allele CA2573140647.